The following is an entry in ClinVar:

ClinVar aggregate classification (germline): Likely benign. Review status: criteria provided, multiple submitters, no conflicts (2 of 4 stars). 3 submissions from 3 submitters: Likely benign (3). Last evaluated 2025-09-21.

Conditions:
Walker-Warburg congenital muscular dystrophy. Also called: Muscular dystrophy-dystroglycanopathy, type A; Walker-Warburg syndrome. Identifiers: Orphanet 899, MedGen C0265221, MONDO:0000171.
Cardiovascular phenotype. Identifiers: MedGen CN230736.

Allele frequency attached by ClinVar (database versions not stated): gnomAD exomes below 0.00001 and 0.00001; ExAC 0.00001; TOPMed 0.00001.

Submissions (3):

Labcorp Genetics (formerly Invitae), Labcorp
Classification: Likely benign for Walker-Warburg congenital muscular dystrophy. Last evaluated: 2025-09-21. Review status: criteria provided, single submitter. Criteria: Invitae Variant Classification Sherloc (09022015). Collection method: clinical testing. Allele origin: germline.

Ambry Genetics
Classification: Likely benign for Cardiovascular phenotype. Last evaluated: 2025-01-19. Review status: criteria provided, single submitter. Criteria: Ambry Variant Classification Scheme 2023. Collection method: clinical testing. Allele origin: germline.

GeneDx
Classification: Likely benign. Last evaluated: 2017-06-16. Review status: criteria provided, single submitter. Criteria: GeneDx Variant Classification (06012015). Collection method: clinical testing. Allele origin: germline. Affected: yes.
Comment: This variant is considered likely benign or benign based on one or more of the following criteria: it is a conservative change, it occurs at a poorly conserved position in the protein, it is predicted to be benign by multiple in silico algorithms, and/or has population frequency not consistent with disease.

NM_001079802.2(FKTN):c.1195C>T (p.Leu399=)

Gene: FKTN (fukutin; plus strand). Cytogenetic location: 9q31.2.
Variant type: single nucleotide variant.
Coding change: c.1195C>T on transcript NM_001079802.2 (MANE Select); coding-DNA position 1195, C replaced by T.
Protein change: p.Leu399=; no amino-acid change (leucine 399 retained).
Molecular consequence: synonymous variant. On other transcripts: missense variant (1), non-coding transcript variant (2).
Genome position (GRCh38, 1-based): chr9:105,635,073, C>T. VCF-style: chr9-105635073-C-T. GRCh37 (hg19) VCF-style: chr9-108397354-C-T.
Other names: c.1195C>T, p.Leu399= (NM_001198963.2, NM_001351496.2, NM_006731.2); c.1126C>T, p.Leu376= (NM_001351497.2); c.1226C>T, p.Thr409Ile (NM_001351498.2); c.799C>T, p.Leu267= (NM_001351499.2, NM_001351500.2, NM_001351501.2 and 1 more transcripts); short protein forms T409I.
Identifiers: ClinVar variation 518023 (VCV000518023.10), dbSNP rs768867435, ClinGen allele CA5170594.